The following is an entry in ClinVar:

ClinVar aggregate classification (germline): Uncertain significance. Review status: criteria provided, multiple submitters, no conflicts (2 of 4 stars). 3 submissions from 3 submitters: Uncertain significance (3). Last evaluated 2025-06-12.

Conditions:
Beckwith-Wiedemann syndrome (BWS). Also called: EMG SYNDROME; Exomphalos macroglossia gigantism syndrome. Identifiers: Orphanet 116, MedGen C0004903, MONDO:0007534, OMIM 130650.

Submissions (3):

Labcorp Genetics (formerly Invitae), Labcorp
Classification: Uncertain significance for Beckwith-Wiedemann syndrome. Last evaluated: 2025-06-12. Review status: criteria provided, single submitter. Criteria: Invitae Variant Classification Sherloc (09022015). Collection method: clinical testing. Allele origin: germline.
Comment: This sequence change replaces serine, which is neutral and polar, with tryptophan, which is neutral and slightly polar, at codon 86 of the CDKN1C protein (p.Ser86Trp). This variant is not present in population databases (gnomAD no frequency). This variant has not been reported in the literature in individuals affected with CDKN1C-related conditions. ClinVar contains an entry for this variant (Variation ID: 1428121). Invitae Evidence Modeling of protein sequence and biophysical properties (such as structural, functional, and spatial information, amino acid conservation, physicochemical variation, residue mobility, and thermodynamic stability) has been performed for this missense variant. However, the output from this modeling did not meet the statistical confidence thresholds required to predict the impact of this variant on CDKN1C protein function. In summary, the available evidence is currently insufficient to determine the role of this variant in disease. Therefore, it has been classified as a Variant of Uncertain Significance.

Dasa
Classification: Uncertain significance. Last evaluated: 2025-05-28. Review status: criteria provided, single submitter. Criteria: DASA Assertion Criteria. Collection method: clinical testing. Allele origin: germline.
Comment: NM_001122630.2(CDKN1C):c.224C>G (p.Ser75Trp) is a missense variant that results in the substitution of serine with tryptophan. This variant is rare in population databases. Computational prediction algorithms are consistent with a benign effect. The currently available literature and clinical evidence are not sufficient to establish a definitive association between this variant and the reported condition. Therefore, this variant is classified as a variant of uncertain significance.

CeGaT Center for Human Genetics Tuebingen
Classification: Uncertain significance. Last evaluated: 2025-04-01. Review status: criteria provided, single submitter. Criteria: CeGaT Center For Human Genetics Tuebingen Variant Classification Criteria Version 2. Collection method: clinical testing. Allele origin: germline. Affected: yes. Observed: 1 variant allele.
Comment: CDKN1C: PM2, PP3

NM_001122630.2(CDKN1C):c.224C>G (p.Ser75Trp)

Gene: CDKN1C (cyclin dependent kinase inhibitor 1C; minus strand). Cytogenetic location: 11p15.4.
Variant type: single nucleotide variant.
Coding change: c.224C>G on transcript NM_001122630.2 (MANE Select); coding-DNA position 224, C replaced by G.
Protein change: p.Ser75Trp; replaces serine 75 with tryptophan.
Molecular consequence: missense variant.
Genome position (GRCh38, 1-based): chr11:2,885,233, G>C on the plus strand (C>G on the coding strand, the complement: CDKN1C is on the minus strand). VCF-style: chr11-2885233-G-C. GRCh37 (hg19) VCF-style: chr11-2906463-G-C.
Other names: c.257C>G, p.Ser86Trp (NM_000076.2, NM_001362474.2); c.224C>G, p.Ser75Trp (NM_001122631.2, NM_001362475.2); short protein forms S75W, S86W.
Identifiers: ClinVar variation 1428121 (VCV001428121.15), dbSNP rs897964106, ClinGen allele CA216367405.
Genomic context (GRCh38, chr11:2,885,233, plus strand): 5'-GGCGCCAGCAGCAGGCGGCAGCGCCCCACCTGCACCGTCTCGCGGTAGAACGCGGGCACC[G>C]AGTCGCTGTCCACTTCGGTCCACTGCAGGCGTCCAGGGCCCCGCAGCGGCATGTCCTGCT-3'
Protein context (NP_001116102.1, residues 65-85): RLQWTEVDSD[Ser75Trp]VPAFYRETVQ